The following is an entry in ClinVar:

NM_000400.4(ERCC2):c.1996C>T (p.Arg666Trp)

Gene: ERCC2 (ERCC excision repair 2, TFIIH core complex helicase subunit; minus strand). Cytogenetic location: 19q13.32.
Variant type: single nucleotide variant.
Coding change: c.1996C>T on transcript NM_000400.4 (MANE Select); coding-DNA position 1996, C replaced by T.
Protein change: p.Arg666Trp; replaces arginine 666 with tryptophan.
Molecular consequence: missense variant.
Genome position (GRCh38, 1-based): chr19:45,352,556, G>A on the plus strand (C>T on the coding strand, the complement: ERCC2 is on the minus strand). VCF-style: chr19-45352556-G-A. GRCh37 (hg19) VCF-style: chr19-45855814-G-A.
Other names: p.Arg666Trp; c.1996C>T (NM_000400.3); short protein forms R666W.
Identifiers: ClinVar variation 1415975 (VCV001415975.14), dbSNP rs752510317, ClinGen allele CA9512943.

ClinVar aggregate classification (germline): Pathogenic/Likely pathogenic. Review status: criteria provided, multiple submitters, no conflicts (2 of 4 stars). 6 submissions from 6 submitters: Pathogenic (4); Likely pathogenic (2). Last evaluated 2025-08-15.

Conditions:
ERCC2-related disorder. Also called: ERCC2-related disorders; ERCC2-related conditions; ERCC2-related condition. Identifiers: MedGen CN239291.
Trichothiodystrophy 1, photosensitive (TTD1). Also called: TAY SYNDROME; TRICHOTHIODYSTROPHY WITH CONGENITAL ICHTHYOSIS; PIBIDS SYNDROME. Identifiers: Orphanet 33364, MedGen C1866504, MONDO:0011125, OMIM 601675.
Cerebrooculofacioskeletal syndrome 2 (COFS2). Identifiers: MedGen C1853102, MONDO:0012553, OMIM 610756.

Allele frequency attached by ClinVar (database versions not stated): gnomAD exomes 0.00001; ExAC 0.00002.
gnomAD v4.1: 18 of 1,614,144 alleles (0.0011%); highest among the groups gnomAD compares: Non-Finnish European, 0.0014%; no homozygotes.

Submissions (6):

Myriad Genetics, Inc.
Classification: Likely pathogenic for ERCC2-related disorder. Last evaluated: 2025-08-15. Review status: criteria provided, single submitter. Criteria: Myriad Autosomal Dominant, Autosomal Recessive and X-Linked Classification Criteria (2023). Collection method: clinical testing. Allele origin: unknown.
Comment: NM_000400.3(ERCC2):c.1996C>T(R666W) is a missense variant classified as likely pathogenic in the context of ERCC2-related disorders. R666W has been observed in cases with relevant disease (PMID: 25716912, 34593652). Relevant functional assessments of this variant are available in the literature (PMID 25716912). R666W has been observed in referenced population frequency databases. In summary, NM_000400.3(ERCC2):c.1996C>T(R666W) is a missense variant that has functional support for pathogenicity and has been observed more frequently in cases with the relevant disease than in healthy populations. Please note: this variant was assessed in the context of healthy population screening.

Blueprint Genetics
Classification: Pathogenic for ERCC2-related disorders. Last evaluated: 2024-05-13. Review status: criteria provided, single submitter. Criteria: ACMG Guidelines, 2015. Collection method: clinical testing. Allele origin: germline. Affected: yes. Observed: 3 variant alleles.

Genomic Medicine Center of Excellence, King Faisal Specialist Hospital and Research Centre
Classification: Pathogenic for Trichothiodystrophy 1, photosensitive. Last evaluated: 2024-04-04. Review status: criteria provided, single submitter. Criteria: ACMG Guidelines, 2015. Collection method: clinical testing. Allele origin: germline.

Baylor Genetics
Classification: Pathogenic for Cerebrooculofacioskeletal syndrome 2. Last evaluated: 2023-09-03. Review status: criteria provided, single submitter. Criteria: ACMG Guidelines, 2015. Collection method: clinical testing. Allele origin: unknown.

Breakthrough Genomics
Classification: Likely pathogenic for Cerebrooculofacioskeletal syndrome 2. Last evaluated: 2022-01-28. Review status: criteria provided, single submitter. Criteria: ACMG Guidelines, 2015. Collection method: clinical testing. Allele origin: germline. Affected: yes.
Comment: This variant has been previously reported in patients with cerebro-oculo-facio-skeletal (COFS) syndrome as well as xeroderma pigmentosum and Cockayne syndrome crossover syndrome (XP/CS) in compound heterozygous state [PMID: 25716912, 18510925]. In vitro and in vivo functional studies revealed that XPD protein with the variant was completely defective in nucleotide excision repair (NER) of UV-induced DNA damage, lacking ATPase activity and helicase activity [PMID: 25716912, 18510924, 16135823].

Labcorp Genetics (formerly Invitae), Labcorp
Classification: Pathogenic. Last evaluated: 2021-02-13. Review status: criteria provided, single submitter. Criteria: Invitae Variant Classification Sherloc (09022015). Collection method: clinical testing. Allele origin: germline.
Comment: This sequence change replaces arginine with tryptophan at codon 666 of the ERCC2 protein (p.Arg666Trp). The arginine residue is moderately conserved and there is a moderate physicochemical difference between arginine and tryptophan. For these reasons, this variant has been classified as Pathogenic. Experimental studies have shown that this variant affects ERCC2 protein function (PMID: 25716912, 16135823). This variant has been observed in individual(s) with ERCC2-related conditions (PMID: 25716912, 29141312, 27607234, 12116233). This variant is present in population databases (rs752510317, ExAC 0.003%).

Literature cited by the submitters: PubMed 25716912 (cited by Myriad Genetics, Inc. and Labcorp Genetics (formerly Invitae), Labcorp); PubMed 34593652 (cited by Myriad Genetics, Inc.); PubMed 16135823 (cited by Labcorp Genetics (formerly Invitae), Labcorp); PubMed 29141312 (cited by Labcorp Genetics (formerly Invitae), Labcorp); PubMed 27607234 (cited by Labcorp Genetics (formerly Invitae), Labcorp); PubMed 12116233 (cited by Labcorp Genetics (formerly Invitae), Labcorp).